The following is an entry in ClinVar:

NM_002609.4(PDGFRB):c.2024G>A (p.Gly675Glu)

Gene: PDGFRB (platelet derived growth factor receptor beta; minus strand). Cytogenetic location: 5q32.
Variant type: single nucleotide variant.
Coding change: c.2024G>A on transcript NM_002609.4 (MANE Select); coding-DNA position 2024, G replaced by A.
Protein change: p.Gly675Glu; replaces glycine 675 with glutamic acid.
Molecular consequence: missense variant.
Genome position (GRCh38, 1-based): chr5:150,123,201, C>T on the plus strand (G>A on the coding strand, the complement: PDGFRB is on the minus strand). VCF-style: chr5-150123201-C-T. GRCh37 (hg19) VCF-style: chr5-149502764-C-T.
Other names: c.1832G>A, p.Gly611Glu (NM_001355016.2); c.1541G>A, p.Gly514Glu (NM_001355017.2); c.2024G>A (NM_002609.3); short protein forms G514E, G611E, G675E.
Identifiers: ClinVar variation 3347752 (VCV003347752.1).

ClinVar aggregate classification (germline): Uncertain significance (0 of 4 stars; one submission).

Conditions:
PDGFRB-related disorder. Also called: PDGFRB-related condition.

gnomAD v4.1: 1 of 1,612,386 alleles (0.000062%); highest among the groups gnomAD compares: Non-Finnish European, 0.000085%; no homozygotes.

Submission:

PreventionGenetics, part of Exact Sciences
Classification: Uncertain significance for PDGFRB-related condition. Last evaluated: 2024-05-14. Review status: no assertion criteria provided. Collection method: clinical testing. Allele origin: germline.
Comment: The PDGFRB c.2024G>A variant is predicted to result in the amino acid substitution p.Gly675Glu. To our knowledge, this variant has not been reported in the literature or in a large population database, indicating this variant is rare. At this time, the clinical significance of this variant is uncertain due to the absence of conclusive functional and genetic evidence.